The following is an entry in ClinVar:

ClinVar aggregate classification (germline): Conflicting classifications of pathogenicity. Review status: criteria provided, conflicting classifications (1 of 4 stars). 2 submissions from 2 submitters: Uncertain significance (1); Likely benign (1). Last evaluated 2025-06-10.

gnomAD v4.1: 330 of 1,610,640 alleles (0.02%); highest among the groups gnomAD compares: South Asian, 0.042%; no homozygotes.

Submissions (2):

Women's Health and Genetics/Laboratory Corporation of America, LabCorp
Classification: Uncertain significance. Last evaluated: 2025-06-10. Review status: criteria provided, single submitter. Criteria: LabCorp Variant Classification Summary - May 2015. Collection method: clinical testing. Allele origin: germline.
Comment: Variant summary: PKD1 c.5345C>T (p.Thr1782Met) results in a non-conservative amino acid change in the encoded protein sequence. Algorithms developed to predict the effect of missense changes on protein structure and function are either unavailable or do not agree on the potential impact of this missense change. The variant allele was found at a frequency of 0.00047 in 248000 control chromosomes. This frequency is not significantly higher than estimated for a pathogenic variant in PKD1 causing PKD1-Biallelic Autosomal Recessive Polycystic Kidney Disease, allowing no conclusion about variant significance. To our knowledge, no occurrence of c.5345C>T in individuals affected with PKD1-Biallelic Autosomal Recessive Polycystic Kidney Disease and no experimental evidence demonstrating its impact on protein function have been reported. No submitters have cited clinical-significance assessments for this variant to ClinVar. Based on the evidence outlined above, the variant was classified as uncertain significance.

Blueprint Genetics
Classification: Likely benign. Last evaluated: 2024-11-22. Review status: criteria provided, single submitter. Criteria: ACMG Guidelines, 2015. Collection method: clinical testing. Allele origin: germline.

NM_001009944.3(PKD1):c.5345C>T (p.Thr1782Met)

Gene: PKD1 (polycystin 1, transient receptor potential channel interacting; minus strand). Cytogenetic location: 16p13.3.
Variant type: single nucleotide variant.
Coding change: c.5345C>T on transcript NM_001009944.3 (MANE Select); coding-DNA position 5345, C replaced by T.
Protein change: p.Thr1782Met; replaces threonine 1782 with methionine.
Molecular consequence: missense variant.
Genome position (GRCh38, 1-based): chr16:2,109,822, G>A on the plus strand (C>T on the coding strand, the complement: PKD1 is on the minus strand). VCF-style: chr16-2109822-G-A. GRCh37 (hg19) VCF-style: chr16-2159823-G-A.
Other names: c.5345C>T, p.Thr1782Met (NM_000296.4); short protein forms T1782M.
Identifiers: ClinVar variation 3907249 (VCV003907249.2).